The following is an entry in ClinVar:

ClinVar aggregate classification (germline): Uncertain significance (1 of 4 stars; one submission).

Conditions:
Leber congenital amaurosis 6 (LCA6). Identifiers: Orphanet 65, MedGen C1854260, MONDO:0013446, OMIM 613826.

Submission:

Victorian Clinical Genetics Services, Murdoch Childrens Research Institute
Classification: Uncertain significance for Leber congenital amaurosis 6. Last evaluated: 2021-05-06. Review status: criteria provided, single submitter. Criteria: ACMG Guidelines, 2015. Collection method: clinical testing. Allele origin: germline. Inheritance: Autosomal recessive inheritance. Affected: yes.
Comment: Based on the classification scheme VCGS_Germline_v1.3.4, this variant is classified as VUS-3C. Following criteria are met: 0102 - Loss of function is a known mechanism of disease in this gene and is associated with leber congenital amaurosis (MIM#613826) and cone-rod dystrophy (MIM#608194). (I) 0106 - This gene is associated with autosomal recessive disease. (I) 0200 - Variant is predicted to result in a missense amino acid change from methionine to valine. (I) 0252 - This variant is homozygous. (I) 0301 - Variant is absent from gnomAD (both v2 and v3). (SP) 0309 - An alternative amino acid change at the same position has been observed in gnomAD (v2: 363 heterozygotes, 1 homozygote). (I) 0504 - Same amino acid change has been observed in placental mammals. (SB) 0604 - Variant is not located in an established domain, motif, hotspot or informative constraint region. (I) 0708 - Another missense variant comparable to the one identified in this case has conflicting previous evidence for pathogenicity. The p.(Met32Lys) variant has been classified as both likely benign and a VUS by diagnostic laboratories in ClinVar. (I) 0807 - This variant has no previous evidence of pathogenicity. (I) 0905 - No published segregation evidence has been identified for this variant. (I) 1007 - No published functional evidence has been identified for this variant. (I) 1208 - Inheritance information for this variant is not currently available in this individual. (I) Legend: (SP) - Supporting pathogenic, (I) - Information, (SB) - Supporting benign

NM_020366.4(RPGRIP1):c.94A>G (p.Met32Val)

Gene: RPGRIP1 (RPGR interacting protein 1; plus strand). Cytogenetic location: 14q11.2.
Variant type: single nucleotide variant.
Coding change: c.94A>G on transcript NM_020366.4 (MANE Select); coding-DNA position 94, A replaced by G.
Protein change: p.Met32Val; replaces methionine 32 with valine.
Molecular consequence: missense variant.
Genome position (GRCh38, 1-based): chr14:21,294,685, A>G. VCF-style: chr14-21294685-A-G. GRCh37 (hg19) VCF-style: chr14-21762844-A-G.
Other names: short protein forms M32V.
Identifiers: ClinVar variation 1699054 (VCV001699054.3), dbSNP rs2139144559, ClinGen allele CA388857644.